The following is an entry in ClinVar:

ClinVar aggregate classification (germline): Uncertain significance (1 of 4 stars; one submission).

Submission:

Labcorp Genetics (formerly Invitae), Labcorp
Classification: Uncertain significance. Last evaluated: 2024-06-21. Review status: criteria provided, single submitter. Criteria: Invitae Variant Classification Sherloc (09022015). Collection method: clinical testing. Allele origin: germline.
Comment: This sequence change replaces glycine, which is neutral and non-polar, with valine, which is neutral and non-polar, at codon 478 of the CAPN5 protein (p.Gly478Val). This variant is not present in population databases (gnomAD no frequency). This variant has not been reported in the literature in individuals affected with CAPN5-related conditions. Advanced modeling of protein sequence and biophysical properties (such as structural, functional, and spatial information, amino acid conservation, physicochemical variation, residue mobility, and thermodynamic stability) performed at Invitae indicates that this missense variant is expected to disrupt CAPN5 protein function with a positive predictive value of 80%. In summary, the available evidence is currently insufficient to determine the role of this variant in disease. Therefore, it has been classified as a Variant of Uncertain Significance.

NM_004055.5(CAPN5):c.1433G>T (p.Gly478Val)

Gene: CAPN5 (calpain 5; plus strand). Cytogenetic location: 11q13.5.
Variant type: single nucleotide variant.
Coding change: c.1433G>T on transcript NM_004055.5 (MANE Select); coding-DNA position 1433, G replaced by T.
Protein change: p.Gly478Val; replaces glycine 478 with valine.
Molecular consequence: missense variant. On other transcripts: non-coding transcript variant (1).
Genome position (GRCh38, 1-based): chr11:77,120,855, G>T. VCF-style: chr11-77120855-G-T. GRCh37 (hg19) VCF-style: chr11-76831901-G-T.
Other names: c.1553G>T, p.Gly518Val (NM_001425321.1); c.1433G>T, p.Gly478Val (NM_001425322.1); c.1301G>T, p.Gly434Val (NM_001425323.1); short protein forms G434V, G518V, G478V.
Identifiers: ClinVar variation 3685107 (VCV003685107.2).